The following is an entry in ClinVar:

NM_001844.5(COL2A1):c.2717G>C (p.Gly906Ala)

Gene: COL2A1 (collagen type II alpha 1 chain; minus strand). Cytogenetic location: 12q13.11.
Variant type: single nucleotide variant.
Coding change: c.2717G>C on transcript NM_001844.5 (MANE Select); coding-DNA position 2717, G replaced by C.
Protein change: p.Gly906Ala; replaces glycine 906 with alanine.
Molecular consequence: missense variant.
Genome position (GRCh38, 1-based): chr12:47,979,527, C>G on the plus strand (G>C on the coding strand, the complement: COL2A1 is on the minus strand). VCF-style: chr12-47979527-C-G. GRCh37 (hg19) VCF-style: chr12-48373310-C-G.
Other names: c.2510G>C, p.Gly837Ala (NM_033150.3); short protein forms G906A, G837A.
Identifiers: ClinVar variation 3720371 (VCV003720371.2).

ClinVar aggregate classification (germline): Likely pathogenic (1 of 4 stars; one submission).

Submission:

Labcorp Genetics (formerly Invitae), Labcorp
Classification: Likely pathogenic. Last evaluated: 2025-01-29. Review status: criteria provided, single submitter. Criteria: Invitae Variant Classification Sherloc (09022015). Collection method: clinical testing. Allele origin: germline.
Comment: This sequence change replaces glycine, which is neutral and non-polar, with alanine, which is neutral and non-polar, at codon 906 of the COL2A1 protein (p.Gly906Ala). This variant is not present in population databases (gnomAD no frequency). This variant has not been reported in the literature in individuals affected with COL2A1-related conditions. Invitae Evidence Modeling of protein sequence and biophysical properties (such as structural, functional, and spatial information, amino acid conservation, physicochemical variation, residue mobility, and thermodynamic stability) indicates that this missense variant is expected to disrupt COL2A1 protein function with a positive predictive value of 95%. This variant disrupts the triple helix domain of COL2A1. Glycine residues within the Gly-Xaa-Yaa repeats of the triple helix domain are required for the structure and stability of fibrillar collagens (PMID: 7695699, 8218237, 19344236). In COL2A1, variants affecting these glycine residues are significantly enriched in individuals with disease (PMID: 9016532, 17078022) compared to the general population (ExAC). In summary, the currently available evidence indicates that the variant is pathogenic, but additional data are needed to prove that conclusively. Therefore, this variant has been classified as Likely Pathogenic.

Literature cited by the submitters: PubMed 7695699; PubMed 8218237; PubMed 19344236; PubMed 9016532; PubMed 17078022.